The following is an entry in ClinVar:

ClinVar aggregate classification (germline): Likely benign (1 of 4 stars; one submission).

Allele frequency attached by ClinVar (database versions not stated): TOPMed below 0.00001; ExAC 0.00013; gnomAD 0.00013.
gnomAD v4.1: 65 of 1,209,887 alleles (0.0054%); highest among the groups gnomAD compares: Non-Finnish European, 0.0029%; 1 homozygote.

Submission:

CeGaT Center for Human Genetics Tuebingen
Classification: Likely benign. Last evaluated: 2022-07-01. Review status: criteria provided, single submitter. Criteria: CeGaT Center For Human Genetics Tuebingen Variant Classification Criteria Version 2. Collection method: clinical testing. Allele origin: germline. Affected: yes. Observed: 1 variant allele.
Comment: ZBTB33: BP4, BP7

NM_001184742.2(ZBTB33):c.1326T>C (p.Tyr442=)

Genes: TMEM255A (transmembrane protein 255A; minus strand), ZBTB33 (zinc finger and BTB domain containing 33; plus strand). Cytogenetic location: Xq24.
Variant type: single nucleotide variant.
Coding change: c.1326T>C on transcript NM_001184742.2 (MANE Select); coding-DNA position 1326, T replaced by C.
Protein change: p.Tyr442=; no amino-acid change (tyrosine 442 retained).
Molecular consequence: synonymous variant.
Genome position (GRCh38, 1-based): chrX:120,254,741, T>C. VCF-style: chrX-120254741-T-C. GRCh37 (hg19) VCF-style: chrX-119388596-T-C.
Other names: c.1326T>C, p.Tyr442= (NM_006777.4).
Identifiers: ClinVar variation 2661320 (VCV002661320.24), dbSNP rs782537395, ClinGen allele CA10504499.